The following is an entry in ClinVar:

ClinVar aggregate classification (germline): Uncertain significance (1 of 4 stars; one submission).

Conditions:
Retinitis pigmentosa 13 (RP13). Also called: PRPF 8-Related Retinitis Pigmentosa. Identifiers: Orphanet 791, MedGen C1838702, MONDO:0010806, OMIM 600059.

Submission:

3billion
Classification: Uncertain significance for Retinitis pigmentosa 13. Last evaluated: 2024-09-10. Review status: criteria provided, single submitter. Criteria: ACMG Guidelines, 2015. Collection method: clinical testing. Allele origin: germline. Affected: yes.
Comment: The variant is not observed in the gnomAD v4.0.0 dataset. Predicted Consequence/Location: Missense changes are a common disease-causing mechanism. In silico tool predictions suggest damaging effect of the variant on gene or gene product [REVEL: 0.94 (>=0.6, sensitivity 0.68 and specificity 0.92)]. Therefore, this variant is classified as VUS according to the recommendation of ACMG/AMP guideline.

NM_006445.4(PRPF8):c.1877G>T (p.Gly626Val)

Gene: PRPF8 (pre-mRNA processing factor 8; minus strand). Cytogenetic location: 17p13.3.
Variant type: single nucleotide variant.
Coding change: c.1877G>T on transcript NM_006445.4 (MANE Select); coding-DNA position 1877, G replaced by T.
Protein change: p.Gly626Val; replaces glycine 626 with valine.
Molecular consequence: missense variant.
Genome position (GRCh38, 1-based): chr17:1,677,672, C>A on the plus strand (G>T on the coding strand, the complement: PRPF8 is on the minus strand). VCF-style: chr17-1677672-C-A. GRCh37 (hg19) VCF-style: chr17-1580966-C-A.
Other names: short protein forms G626V.
Identifiers: ClinVar variation 4293372 (VCV004293372.1).